The following is an entry in ClinVar:

NM_000426.4(LAMA2):c.8542del (p.His2848fs)

Gene: LAMA2 (laminin subunit alpha 2; plus strand). Cytogenetic location: 6q22.33.
Variant type: Deletion.
Coding change: c.8542del on transcript NM_000426.4 (MANE Select); coding-DNA position 8542, one base deleted (C; older notation c.8542delC).
Protein change: p.His2848fs; shifts the reading frame from histidine 2848.
Molecular consequence: frameshift variant.
Genome position (GRCh38, 1-based): chr6:129,503,275, C deleted. VCF-style (leftmost placement, unchanged base first): chr6-129503274-GC-G. GRCh37 (hg19) VCF-style: chr6-129824419-GC-G.
Other names: c.8530del, p.His2844fs (NM_001079823.2); short protein forms H2844fs, H2848fs.
Identifiers: ClinVar variation 1724092 (VCV001724092.3), dbSNP rs2533539208, ClinGen allele CA2580075016.
Genomic context (GRCh38, chr6:129,503,274, plus strand): 5'-TGACTTGGGGAGTGGGGACACCCACACCATGATCCCCACCAAAATCAATGATGGCCAGTG[GC>G]ACAAGGTAATAGTCCCCTGGATATTGGCAGTACCCTAAGGGAATTACTGAGTGGCAGCCA-3'

ClinVar aggregate classification (germline): Likely pathogenic (1 of 4 stars; one submission).

Conditions:
LAMA2-related muscular dystrophy (LAMA2-RD). Also called: Laminin alpha 2-related dystrophy. Identifiers: MedGen C5679788, MONDO:0100228.

Submission:

Myriad Genetics, Inc.
Classification: Likely pathogenic for LAMA2-related muscular dystrophy. Last evaluated: 2022-01-25. Review status: criteria provided, single submitter. Criteria: Myriad Autosomal Dominant, Autosomal Recessive and X-Linked Classification Criteria (2023). Collection method: clinical testing. Allele origin: unknown.
Comment: NM_000426.3(LAMA2):c.8542delC(H2848Tfs*5) is expected to be pathogenic in the context of muscular dystrophy, LAMA2-related. This variant is predicted to lead to an abnormal or absent protein product due to the creation of a premature termination codon in LAMA2, a gene where loss-of-function variants are known to be pathogenic. Please note: this variant was assessed in the context of healthy population screening.